The following is an entry in ClinVar:

ClinVar aggregate classification (germline): Likely benign (1 of 4 stars; one submission).

Allele frequency attached by ClinVar (database versions not stated): TOPMed below 0.00001; ExAC 0.00001; gnomAD 0.00001.

Submission:

CeGaT Center for Human Genetics Tuebingen
Classification: Likely benign. Last evaluated: 2023-08-01. Review status: criteria provided, single submitter. Criteria: CeGaT Center For Human Genetics Tuebingen Variant Classification Criteria Version 2. Collection method: clinical testing. Allele origin: germline. Affected: yes. Observed: 1 variant allele.
Comment: IRF2BPL: BP4, BP7

NM_024496.4(IRF2BPL):c.1365G>A (p.Ser455=)

Gene: IRF2BPL (interferon regulatory factor 2 binding protein like; minus strand). Cytogenetic location: 14q24.3.
Variant type: single nucleotide variant.
Coding change: c.1365G>A on transcript NM_024496.4 (MANE Select); coding-DNA position 1365, G replaced by A.
Protein change: p.Ser455=; no amino-acid change (serine 455 retained).
Molecular consequence: synonymous variant.
Genome position (GRCh38, 1-based): chr14:77,026,428, C>T on the plus strand (G>A on the coding strand, the complement: IRF2BPL is on the minus strand). VCF-style: chr14-77026428-C-T. GRCh37 (hg19) VCF-style: chr14-77492771-C-T.
Identifiers: ClinVar variation 2644388 (VCV002644388.24), dbSNP rs770871164, ClinGen allele CA7283687.